The following is an entry in ClinVar:

ClinVar aggregate classification (germline): Uncertain significance (1 of 4 stars; one submission).

Conditions:
Purine-nucleoside phosphorylase deficiency. Also called: NUCLEOSIDE PHOSPHORYLASE DEFICIENCY; Immunodeficiency due to purine nucleoside phosphorylase deficiency. Identifiers: Orphanet 760, MedGen C0268125, MONDO:0013171, OMIM 613179.

Allele frequency attached by ClinVar (database versions not stated): ExAC 0.00001; gnomAD 0.00001; gnomAD exomes 0.00001 and 0.00002.
gnomAD v4.1: 18 of 1,614,054 alleles (0.0011%); highest among the groups gnomAD compares: South Asian, 0.015%; no homozygotes.

Submission:

Labcorp Genetics (formerly Invitae), Labcorp
Classification: Uncertain significance for Purine-nucleoside phosphorylase deficiency. Last evaluated: 2023-05-02. Review status: criteria provided, single submitter. Criteria: Invitae Variant Classification Sherloc (09022015). Collection method: clinical testing. Allele origin: germline.
Comment: In summary, the available evidence is currently insufficient to determine the role of this variant in disease. Therefore, it has been classified as a Variant of Uncertain Significance. Advanced modeling of protein sequence and biophysical properties (such as structural, functional, and spatial information, amino acid conservation, physicochemical variation, residue mobility, and thermodynamic stability) performed at Invitae indicates that this missense variant is expected to disrupt PNP protein function. ClinVar contains an entry for this variant (Variation ID: 1464854). This variant has not been reported in the literature in individuals affected with PNP-related conditions. This variant is present in population databases (rs769652649, gnomAD 0.01%). This sequence change replaces arginine, which is basic and polar, with cysteine, which is neutral and slightly polar, at codon 158 of the PNP protein (p.Arg158Cys).

NM_000270.4(PNP):c.472C>T (p.Arg158Cys)

Gene: PNP (purine nucleoside phosphorylase; plus strand). Cytogenetic location: 14q11.2.
Variant type: single nucleotide variant.
Coding change: c.472C>T on transcript NM_000270.4 (MANE Select); coding-DNA position 472, C replaced by T.
Protein change: p.Arg158Cys; replaces arginine 158 with cysteine.
Molecular consequence: missense variant.
Genome position (GRCh38, 1-based): chr14:20,475,072, C>T. VCF-style: chr14-20475072-C-T. GRCh37 (hg19) VCF-style: chr14-20943231-C-T.
Other names: short protein forms R158C.
Identifiers: ClinVar variation 1464854 (VCV001464854.7), dbSNP rs769652649, ClinGen allele CA7082147.
Genomic context (GRCh38, chr14:20,475,072, plus strand): 5'-GAGAATTTTTAAAATTCCGTTTATGTGAGATAATTCAACCTGTGTCCTAGGTTTGGAGAT[C>T]GTTTCCCTGCCATGTCTGATGCCTACGACCGGACTATGAGGCAGAGGGCTCTCAGTACCT-3'
Protein context (NP_000261.2, residues 148-168): RGPNDERFGD[Arg158Cys]FPAMSDAYDR